The following is an entry in ClinVar:

ClinVar aggregate classification (germline): Uncertain significance (1 of 4 stars; one submission).

gnomAD v4.1: 14 of 1,613,980 alleles (0.00087%); highest among the groups gnomAD compares: Non-Finnish European, 0.0012%; no homozygotes.

Submission:

CeGaT Center for Human Genetics Tuebingen
Classification: Uncertain significance. Last evaluated: 2024-09-01. Review status: criteria provided, single submitter. Criteria: CeGaT Center For Human Genetics Tuebingen Variant Classification Criteria Version 2. Collection method: clinical testing. Allele origin: germline. Affected: yes. Observed: 1 variant allele.
Comment: NUDT2: PM2

NM_001161.5(NUDT2):c.191G>T (p.Gly64Val)

Gene: NUDT2 (nudix hydrolase 2; plus strand). Cytogenetic location: 9p13.3.
Variant type: single nucleotide variant.
Coding change: c.191G>T on transcript NM_001161.5 (MANE Select); coding-DNA position 191, G replaced by T.
Protein change: p.Gly64Val; replaces glycine 64 with valine.
Molecular consequence: missense variant.
Genome position (GRCh38, 1-based): chr9:34,343,187, G>T. VCF-style: chr9-34343187-G-T. GRCh37 (hg19) VCF-style: chr9-34343185-G-T.
Other names: c.191G>T, p.Gly64Val (NM_001244390.2, NM_147172.3, NM_147173.3); short protein forms G64V.
Identifiers: ClinVar variation 3388335 (VCV003388335.14).
Genomic context (GRCh38, chr9:34,343,187, plus strand): 5'-ATGTGGAACCAGGAGAGGATGACTTGGAAACAGCCCTGAGGGAGACCCAAGAGGAAGCAG[G>T]CATAGAAGCAGGCCAGCTGACCATTATTGAGGGGTTCAAAAGGGAACTCAATTATGTGGC-3'
Protein context (NP_001152.1, residues 54-74): TALRETQEEA[Gly64Val]IEAGQLTIIE